The following is an entry in ClinVar:

NM_000431.4(MVK):c.784G>T (p.Ala262Ser)

Gene: MVK (mevalonate kinase; plus strand). Cytogenetic location: 12q24.11.
Variant type: single nucleotide variant.
Coding change: c.784G>T on transcript NM_000431.4 (MANE Select); coding-DNA position 784, G replaced by T.
Protein change: p.Ala262Ser; replaces alanine 262 with serine.
Molecular consequence: missense variant.
Genome position (GRCh38, 1-based): chr12:109,591,256, G>T. VCF-style: chr12-109591256-G-T. GRCh37 (hg19) VCF-style: chr12-110029061-G-T.
Other names: c.784G>T, p.Ala262Ser (NM_001114185.3); c.628G>T, p.Ala210Ser (NM_001301182.2); short protein forms A210S, A262S.
Identifiers: ClinVar variation 1427085 (VCV001427085.6), dbSNP rs1386402188, ClinGen allele CA386649257.

ClinVar aggregate classification (germline): Uncertain significance (1 of 4 stars; one submission).

Conditions:
Hyperimmunoglobulin D with periodic fever (HIDS). Also called: Hyperimmunoglobulinemia D; Hyperimmunoglobulinemia D with periodic fever; HYPERIMMUNOGLOBULINEMIA D AND PERIODIC FEVER SYNDROME. Identifiers: Orphanet 343, MedGen C0398691, MONDO:0009849, OMIM 260920.
Porokeratosis 3, disseminated superficial actinic type (POROK3). Also called: POROKERATOSIS, DISSEMINATED SUPERFICIAL ACTINIC, 1; POROKERATOSIS 3, MULTIPLE TYPES; POROKERATOSIS 3, MIBELLI TYPE. Identifiers: MedGen C1867981, MONDO:0008293, OMIM 175900.
Mevalonic aciduria (MEVA). Identifiers: Orphanet 29, MedGen C1959626, MONDO:0012481, OMIM 610377.

Allele frequency attached by ClinVar (database versions not stated): TOPMed 0.00001.

Submission:

Labcorp Genetics (formerly Invitae), Labcorp
Classification: Uncertain significance for Mevalonic aciduria; Hyperimmunoglobulin D with periodic fever; Porokeratosis 3, disseminated superficial actinic type. Last evaluated: 2021-11-22. Review status: criteria provided, single submitter. Criteria: Invitae Variant Classification Sherloc (09022015). Collection method: clinical testing. Allele origin: germline.
Comment: Advanced modeling of protein sequence and biophysical properties (such as structural, functional, and spatial information, amino acid conservation, physicochemical variation, residue mobility, and thermodynamic stability) performed at Invitae indicates that this missense variant is not expected to disrupt MVK protein function. This variant has not been reported in the literature in individuals affected with MVK-related conditions. This variant is not present in population databases (gnomAD no frequency). This sequence change replaces alanine, which is neutral and non-polar, with serine, which is neutral and polar, at codon 262 of the MVK protein (p.Ala262Ser). In summary, the available evidence is currently insufficient to determine the role of this variant in disease. Therefore, it has been classified as a Variant of Uncertain Significance.